The following is an entry in ClinVar:

ClinVar aggregate classification (germline): Uncertain significance (1 of 4 stars; one submission).

Conditions:
Hereditary pancreatitis (PCTT). Also called: PRSS1-Related Hereditary Pancreatitis; Hereditary chronic pancreatitis. Identifiers: Orphanet 676, MedGen C0238339, MONDO:0008185, OMIM 167800.

Submission:

Ambry Genetics
Classification: Uncertain significance for Hereditary pancreatitis. Last evaluated: 2024-12-22. Review status: criteria provided, single submitter. Criteria: Ambry Variant Classification Scheme 2023. Collection method: clinical testing. Allele origin: germline.
Comment: The p.G55A variant (also known as c.164G>C), located in coding exon 3 of the CPA1 gene, results from a G to C substitution at nucleotide position 164. The glycine at codon 55 is replaced by alanine, an amino acid with similar properties. This amino acid position is conserved. In addition, this alteration is predicted to be tolerated by in silico analysis. Based on the available evidence, the clinical significance of this variant remains unclear.

NM_001868.4(CPA1):c.164G>C (p.Gly55Ala)

Gene: CPA1 (carboxypeptidase A1; plus strand). Cytogenetic location: 7q32.2.
Variant type: single nucleotide variant.
Coding change: c.164G>C on transcript NM_001868.4 (MANE Select); coding-DNA position 164, G replaced by C.
Protein change: p.Gly55Ala; replaces glycine 55 with alanine.
Molecular consequence: missense variant.
Genome position (GRCh38, 1-based): chr7:130,381,646, G>C. VCF-style: chr7-130381646-G-C. GRCh37 (hg19) VCF-style: chr7-130021487-G-C.
Other names: short protein forms G55A.
Identifiers: ClinVar variation 3835748 (VCV003835748.1).